The following is an entry in ClinVar:

ClinVar aggregate classification (germline): Pathogenic (1 of 4 stars; one submission).

Conditions:
Autosomal recessive nonsyndromic hearing loss 21. Identifiers: Orphanet 90636, MedGen C1863655, MONDO:0011351, OMIM 603629.

Submission:

Institute of Rare Diseases, West China Hospital, Sichuan University
Classification: Pathogenic for Autosomal recessive nonsyndromic hearing loss 21. Last evaluated: 2025-01-09. Review status: criteria provided, single submitter. Criteria: ClinGen HL ACMG Specifications v1. Collection method: research. Allele origin: germline. Affected: yes.
Comment: PVS1;PM3_Supporting;PM2_Supporting

NM_005422.4(TECTA):c.4105+1G>A

Genes: TBCEL-TECTA (TBCEL-TECTA readthrough; plus strand), TECTA (tectorin alpha; plus strand). Cytogenetic location: 11q23.3.
Variant type: single nucleotide variant.
Coding change: c.4105+1G>A on transcript NM_005422.4 (MANE Select); the canonical splice donor site of the intron after coding-DNA position 4105, G replaced by A.
Molecular consequence: splice donor variant.
Genome position (GRCh38, 1-based): chr11:121,146,117, G>A. VCF-style: chr11-121146117-G-A. GRCh37 (hg19) VCF-style: chr11-121016826-G-A.
Other names: c.5062+1G>A (NM_001378761.1).
Identifiers: ClinVar variation 3601872 (VCV003601872.1).